The following is an entry in ClinVar:

NM_017780.4(CHD7):c.-175+1G>C

Gene: CHD7 (chromodomain helicase DNA binding protein 7; plus strand). Cytogenetic location: 8q12.2.
Variant type: single nucleotide variant.
Coding change: c.-175+1G>C on transcript NM_017780.4 (MANE Select); the canonical splice donor site of the intron after 175 bases upstream of the start codon, G replaced by C.
Molecular consequence: splice donor variant.
Genome position (GRCh38, 1-based): chr8:60,679,083, G>C. VCF-style: chr8-60679083-G-C. GRCh37 (hg19) VCF-style: chr8-61591642-G-C.
Identifiers: ClinVar variation 4818914 (VCV004818914.1).

ClinVar aggregate classification (germline): Uncertain significance (1 of 4 stars; one submission).

Submission:

GeneDx
Classification: Uncertain significance. Last evaluated: 2025-09-27. Review status: criteria provided, single submitter. Criteria: GeneDx Variant Classification Process June 2021. Collection method: clinical testing. Allele origin: germline. Affected: yes.
Comment: In silico analysis supports a deleterious effect on splicing; Has not been previously published as pathogenic or benign to our knowledge; No data available from control populations to assess the frequency of this variant; Located in a regulatory region; in the absence of functional studies, the actual effect of this sequence change is unknown